The following is an entry in ClinVar:

NM_006744.4(RBP4):c.331G>A (p.Val111Ile)

Gene: RBP4 (retinol binding protein 4; minus strand). Cytogenetic location: 10q23.33.
Variant type: single nucleotide variant.
Coding change: c.331G>A on transcript NM_006744.4 (MANE Select); coding-DNA position 331, G replaced by A.
Protein change: p.Val111Ile; replaces valine 111 with isoleucine.
Molecular consequence: missense variant.
Genome position (GRCh38, 1-based): chr10:93,600,417, C>T on the plus strand (G>A on the coding strand, the complement: RBP4 is on the minus strand). VCF-style: chr10-93600417-C-T. GRCh37 (hg19) VCF-style: chr10-95360174-C-T.
Other names: c.331G>A, p.Val111Ile (NM_001323517.1); c.325G>A, p.Val109Ile (NM_001323518.2); short protein forms V111I, V109I.
Identifiers: ClinVar variation 1037197 (VCV001037197.9), dbSNP rs2058328984, ClinGen allele CA377617121.

ClinVar aggregate classification (germline): Uncertain significance. Review status: criteria provided, multiple submitters, no conflicts (2 of 4 stars). 2 submissions from 2 submitters: Uncertain significance (2). Last evaluated 2022-11-08.

Allele frequency attached by ClinVar (database versions not stated): gnomAD exomes below 0.00001; TOPMed below 0.00001.
gnomAD v4.1: 1 of 1,614,080 alleles (0.000062%); highest among the groups gnomAD compares: African/African-American, 0.0013%; no homozygotes.

Submissions (2):

Labcorp Genetics (formerly Invitae), Labcorp
Classification: Uncertain significance. Last evaluated: 2022-11-08. Review status: criteria provided, single submitter. Criteria: Invitae Variant Classification Sherloc (09022015). Collection method: clinical testing. Allele origin: germline.
Comment: In summary, the available evidence is currently insufficient to determine the role of this variant in disease. Therefore, it has been classified as a Variant of Uncertain Significance. Algorithms developed to predict the effect of missense changes on protein structure and function (SIFT, PolyPhen-2, Align-GVGD) all suggest that this variant is likely to be tolerated. ClinVar contains an entry for this variant (Variation ID: 1037197). This variant has not been reported in the literature in individuals affected with RBP4-related conditions. This variant is not present in population databases (gnomAD no frequency). This sequence change replaces valine, which is neutral and non-polar, with isoleucine, which is neutral and non-polar, at codon 111 of the RBP4 protein (p.Val111Ile).

Blueprint Genetics
Classification: Uncertain significance. Last evaluated: 2018-12-12. Review status: criteria provided, single submitter. Criteria: ACMG Guidelines, 2015. Collection method: clinical testing. Allele origin: germline.